The following is an entry in ClinVar:

ClinVar aggregate classification (germline): Uncertain significance. Review status: criteria provided, multiple submitters, no conflicts (2 of 4 stars). 2 submissions from 2 submitters: Uncertain significance (2). Last evaluated 2023-10-15.

Conditions:
Hereditary cancer-predisposing syndrome. Also called: Neoplastic Syndromes, Hereditary; Hereditary Cancer Syndrome; Hereditary neoplastic syndrome; Tumor predisposition. Identifiers: Orphanet 140162, MedGen C0027672, MeSH D009386, MONDO:0015356.
Gorlin syndrome. Also called: Nevoid Basal Cell Carcinoma Syndrome; Basal cell nevus syndrome. Identifiers: Orphanet 377, MedGen C0004779, MONDO:0007187.

Submissions (2):

Ambry Genetics
Classification: Uncertain significance for Hereditary cancer-predisposing syndrome. Last evaluated: 2023-10-15. Review status: criteria provided, single submitter. Criteria: Ambry Variant Classification Scheme 2023. Collection method: clinical testing. Allele origin: germline.
Comment: The p.A61V variant (also known as c.182C>T), located in coding exon 1 of the PTCH1 gene, results from a C to T substitution at nucleotide position 182. The alanine at codon 61 is replaced by valine, an amino acid with similar properties. This amino acid position is conserved. In addition, the in silico prediction for this alteration is inconclusive. Since supporting evidence is limited at this time, the clinical significance of this alteration remains unclear.

Labcorp Genetics (formerly Invitae), Labcorp
Classification: Uncertain significance for Gorlin syndrome. Last evaluated: 2023-08-17. Review status: criteria provided, single submitter. Criteria: Invitae Variant Classification Sherloc (09022015). Collection method: clinical testing. Allele origin: germline.
Comment: In summary, the available evidence is currently insufficient to determine the role of this variant in disease. Therefore, it has been classified as a Variant of Uncertain Significance. Advanced modeling of protein sequence and biophysical properties (such as structural, functional, and spatial information, amino acid conservation, physicochemical variation, residue mobility, and thermodynamic stability) performed at Invitae indicates that this missense variant is not expected to disrupt PTCH1 protein function. ClinVar contains an entry for this variant (Variation ID: 2187183). This variant has not been reported in the literature in individuals affected with PTCH1-related conditions. This variant is not present in population databases (gnomAD no frequency). This sequence change replaces alanine, which is neutral and non-polar, with valine, which is neutral and non-polar, at codon 61 of the PTCH1 protein (p.Ala61Val).

NM_000264.5(PTCH1):c.182C>T (p.Ala61Val)

Gene: PTCH1 (patched 1; minus strand). Cytogenetic location: 9q22.32.
Variant type: single nucleotide variant.
Coding change: c.182C>T on transcript NM_000264.5 (MANE Select); coding-DNA position 182, C replaced by T.
Protein change: p.Ala61Val; replaces alanine 61 with valine.
Molecular consequence: missense variant. On other transcripts: non-coding transcript variant (1), intron variant (3).
Genome position (GRCh38, 1-based): chr9:95,508,180, G>A on the plus strand (C>T on the coding strand, the complement: PTCH1 is on the minus strand). VCF-style: chr9-95508180-G-A. GRCh37 (hg19) VCF-style: chr9-98270462-G-A.
Other names: c.182C>T, p.Ala61Val (NM_001354918.2); c.199-1581C>T (NM_001083603.3); c.4-1581C>T (NM_001083602.3, NM_001354919.2); short protein forms A61V.
Identifiers: ClinVar variation 2187183 (VCV002187183.5), dbSNP rs1296707371, ClinGen allele CA374121276.